The following is an entry in ClinVar:

ClinVar aggregate classification (germline): Uncertain significance. Review status: criteria provided, multiple submitters, no conflicts (2 of 4 stars). 2 submissions from 2 submitters: Uncertain significance (2). Last evaluated 2024-08-27.

Conditions:
Familial adenomatous polyposis 1 (FAP1). Also called: FAMILIAL ADENOMATOUS POLYPOSIS 1, ATTENUATED; POLYPOSIS, ADENOMATOUS INTESTINAL. Identifiers: MedGen C2713442, MONDO:0021056, OMIM 175100. Disease mechanism: loss of function.
Hereditary cancer-predisposing syndrome. Also called: Neoplastic Syndromes, Hereditary; Tumor predisposition; Hereditary Cancer Syndrome; Hereditary neoplastic syndrome. Identifiers: Orphanet 140162, MedGen C0027672, MeSH D009386, MONDO:0015356.

Submissions (2):

Labcorp Genetics (formerly Invitae), Labcorp
Classification: Uncertain significance for Familial adenomatous polyposis 1. Last evaluated: 2024-08-27. Review status: criteria provided, single submitter. Criteria: Invitae Variant Classification Sherloc (09022015). Collection method: clinical testing. Allele origin: germline.
Comment: This sequence change replaces asparagine, which is neutral and polar, with histidine, which is basic and polar, at codon 2220 of the APC protein (p.Asn2220His). This variant is not present in population databases (gnomAD no frequency). This variant has not been reported in the literature in individuals affected with APC-related conditions. ClinVar contains an entry for this variant (Variation ID: 482361). Invitae Evidence Modeling of protein sequence and biophysical properties (such as structural, functional, and spatial information, amino acid conservation, physicochemical variation, residue mobility, and thermodynamic stability) indicates that this missense variant is not expected to disrupt APC protein function with a negative predictive value of 95%. In summary, the available evidence is currently insufficient to determine the role of this variant in disease. Therefore, it has been classified as a Variant of Uncertain Significance.

Ambry Genetics
Classification: Uncertain significance for Hereditary cancer-predisposing syndrome. Last evaluated: 2016-05-26. Review status: criteria provided, single submitter. Criteria: Ambry Variant Classification Scheme 2023. Collection method: clinical testing. Allele origin: germline.
Comment: The p.N2220H variant (also known as c.6658A>C), located in coding exon 15 of the APC gene, results from an A to C substitution at nucleotide position 6658. The asparagine at codon 2220 is replaced by histidine, an amino acid with similar properties. This variant was not reported in population based cohorts in the following databases: Database of Single Nucleotide Polymorphisms (dbSNP), NHLBI Exome Sequencing Project (ESP), and 1000 Genomes Project. In the ESP, this variant was not observed in 6488 samples (12976 alleles) with coverage at this position. To date, this alteration has been detected with an allele frequency of approximately 0.001% (greater than 90000 alleles tested) in our clinical cohort. This amino acid position is well conserved in available vertebrate species. In addition, in silico predictors for this gene do not accurately predict pathogenicity. Since supporting evidence is limited at this time, the clinical significance of this alteration remains unclear.

NM_000038.6(APC):c.6658A>C (p.Asn2220His)

Gene: APC (APC regulator of Wnt signaling pathway; plus strand). Cytogenetic location: 5q22.2.
Variant type: single nucleotide variant.
Coding change: c.6658A>C on transcript NM_000038.6 (MANE Select); coding-DNA position 6658, A replaced by C.
Protein change: p.Asn2220His; replaces asparagine 2220 with histidine.
Molecular consequence: missense variant.
Genome position (GRCh38, 1-based): chr5:112,842,252, A>C. VCF-style: chr5-112842252-A-C. GRCh37 (hg19) VCF-style: chr5-112177949-A-C.
Other names: c.6604A>C, p.Asn2202His (NM_001127511.3); c.6658A>C, p.Asn2220His (NM_001354895.2, NM_001127510.3); c.6712A>C, p.Asn2238His (NM_001354896.2); c.6688A>C, p.Asn2230His (NM_001354897.2); c.6583A>C, p.Asn2195His (NM_001354898.2); c.6574A>C, p.Asn2192His (NM_001354899.2); c.6535A>C, p.Asn2179His (NM_001354900.2); c.6481A>C, p.Asn2161His (NM_001354901.2); and 5 more; short protein forms N2220H, N2202H, N2161H, N2192H, N2238H, N2060H, N2094H, N2179H.
Identifiers: ClinVar variation 482361 (VCV000482361.7), dbSNP rs374464049, ClinGen allele CA16035894.